The following is an entry in ClinVar:

NM_022124.6(CDH23):c.4732A>G (p.Met1578Val)

Gene: CDH23 (cadherin related 23; plus strand). Cytogenetic location: 10q22.1.
Variant type: single nucleotide variant.
Coding change: c.4732A>G on transcript NM_022124.6 (MANE Select); coding-DNA position 4732, A replaced by G.
Protein change: p.Met1578Val; replaces methionine 1578 with valine.
Molecular consequence: missense variant.
Genome position (GRCh38, 1-based): chr10:71,741,808, A>G. VCF-style: chr10-71741808-A-G. GRCh37 (hg19) VCF-style: chr10-73501565-A-G.
Other names: short protein forms M1578V.
Identifiers: ClinVar variation 1398796 (VCV001398796.4), dbSNP rs774777101, ClinGen allele CA5545135.

ClinVar aggregate classification (germline): Uncertain significance (1 of 4 stars; one submission).

Allele frequency attached by ClinVar (database versions not stated): gnomAD exomes below 0.00001; ExAC 0.00001.

Submission:

Labcorp Genetics (formerly Invitae), Labcorp
Classification: Uncertain significance. Last evaluated: 2022-06-05. Review status: criteria provided, single submitter. Criteria: Invitae Variant Classification Sherloc (09022015). Collection method: clinical testing. Allele origin: germline.
Comment: In summary, the available evidence is currently insufficient to determine the role of this variant in disease. Therefore, it has been classified as a Variant of Uncertain Significance. ClinVar contains an entry for this variant (Variation ID: 1398796). This variant has not been reported in the literature in individuals affected with CDH23-related conditions. This variant is present in population databases (rs774777101, gnomAD 0.0009%). This sequence change replaces methionine, which is neutral and non-polar, with valine, which is neutral and non-polar, at codon 1578 of the CDH23 protein (p.Met1578Val). Algorithms developed to predict the effect of missense changes on protein structure and function are either unavailable or do not agree on the potential impact of this missense change (SIFT: "Deleterious"; PolyPhen-2: "Not Available"; Align-GVGD: "Class C15").